The following is an entry in ClinVar:

ClinVar aggregate classification (germline): Uncertain significance (1 of 4 stars; one submission).

Conditions:
Autosomal recessive ataxia, Beauce type. Also called: Spinocerebellar ataxia, autosomal recessive 8; ATAXIA, RECESSIVE, OF BEAUCE; SYNE1-Related Autosomal Recessive Cerebellar Ataxia; SYNE1 Deficiency. Identifiers: Orphanet 88644, MedGen C1853116, MONDO:0012549, OMIM 610743.

Allele frequency attached by ClinVar (database versions not stated): gnomAD exomes below 0.00001; gnomAD 0.00001; TOPMed 0.00001.
gnomAD v4.1: 3 of 1,613,960 alleles (0.00019%); highest among the groups gnomAD compares: Non-Finnish European, 0.00025%; no homozygotes.

Submission:

Centre for Mendelian Genomics, University Medical Centre Ljubljana
Classification: Uncertain significance for Autosomal recessive ataxia, Beauce type. Last evaluated: 2019-09-06. Review status: criteria provided, single submitter. Criteria: ACMG Guidelines, 2015. Collection method: clinical testing. Allele origin: unknown. Affected: yes.
Comment: This variant was classified as: Uncertain significance. The available evidence on this variant's pathogenicity is insufficient or conflicting. The following ACMG criteria were applied in classifying this variant: PM2,BP4.

NM_001347702.2(SYNE1):c.1472A>G (p.Tyr491Cys)

Gene: SYNE1 (spectrin repeat containing nuclear envelope protein 1; minus strand). Cytogenetic location: 6q25.2.
Variant type: single nucleotide variant.
Coding change: c.1472A>G on transcript NM_001347702.2 (MANE Plus Clinical); coding-DNA position 1472, A replaced by G.
Protein change: p.Tyr491Cys; replaces tyrosine 491 with cysteine.
Molecular consequence: missense variant. On other transcripts: intron variant (2).
Genome position (GRCh38, 1-based): chr6:152,145,525, T>C on the plus strand (A>G on the coding strand, the complement: SYNE1 is on the minus strand). VCF-style: chr6-152145525-T-C. GRCh37 (hg19) VCF-style: chr6-152466660-T-C.
Other names: c.24794A>G, p.Tyr8265Cys (NM_033071.5); c.24977-1760A>G (NM_182961.4); c.1583-1760A>G (NM_001347701.2); short protein forms Y8265C, Y491C.
Identifiers: ClinVar variation 930543 (VCV000930543.3), dbSNP rs1384400002, ClinGen allele CA366083837.